The following is an entry in ClinVar:

ClinVar aggregate classification (germline): Uncertain significance. Review status: criteria provided, multiple submitters, no conflicts (2 of 4 stars). 2 submissions from 2 submitters: Uncertain significance (2). Last evaluated 2025-05-16.

gnomAD v4.1: 15 of 1,538,826 alleles (0.00097%); highest among the groups gnomAD compares: African/African-American, 0.0014%; no homozygotes.

Submissions (2):

Ambry Genetics
Classification: Uncertain significance. Last evaluated: 2025-05-16. Review status: criteria provided, single submitter. Criteria: Ambry Variant Classification Scheme 2023. Collection method: clinical testing. Allele origin: germline.

Labcorp Genetics (formerly Invitae), Labcorp
Classification: Uncertain significance. Last evaluated: 2022-07-15. Review status: criteria provided, single submitter. Criteria: Invitae Variant Classification Sherloc (09022015). Collection method: clinical testing. Allele origin: germline.
Comment: In summary, the available evidence is currently insufficient to determine the role of this variant in disease. Therefore, it has been classified as a Variant of Uncertain Significance. Algorithms developed to predict the effect of missense changes on protein structure and function output the following: SIFT: "Tolerated"; PolyPhen-2: "Benign"; Align-GVGD: "Class C0". The valine amino acid residue is found in multiple mammalian species, which suggests that this missense change does not adversely affect protein function. ClinVar contains an entry for this variant (Variation ID: 1402607). This variant has not been reported in the literature in individuals affected with FCHO1-related conditions. This variant is not present in population databases (gnomAD no frequency). This sequence change replaces alanine, which is neutral and non-polar, with valine, which is neutral and non-polar, at codon 507 of the FCHO1 protein (p.Ala507Val).

NM_015122.3(FCHO1):c.1520C>T (p.Ala507Val)

Gene: FCHO1 (FCH and mu domain containing endocytic adaptor 1; plus strand). Cytogenetic location: 19p13.11.
Variant type: single nucleotide variant.
Coding change: c.1520C>T on transcript NM_015122.3 (MANE Select); coding-DNA position 1520, C replaced by T.
Protein change: p.Ala507Val; replaces alanine 507 with valine.
Molecular consequence: missense variant. On other transcripts: non-coding transcript variant (14), intron variant (11).
Genome position (GRCh38, 1-based): chr19:17,778,777, C>T. VCF-style: chr19-17778777-C-T. GRCh37 (hg19) VCF-style: chr19-17889586-C-T.
Other names: c.1520C>T, p.Ala507Val (NM_001161357.2, NM_001161358.2, NM_001384370.1 and 13 more transcripts); c.1370C>T, p.Ala457Val (NM_001161359.2, NM_001384384.1, NM_001384385.1 and 1 more transcripts); c.1481C>T, p.Ala494Val (NM_001384388.1, NM_001384389.1, NM_001384405.1); c.1445C>T, p.Ala482Val (NM_001384390.1); c.1403C>T, p.Ala468Val (NM_001384392.1, NM_001384393.1, NM_001384394.1 and 1 more transcripts); c.1351+549C>T (NM_001384396.1, NM_001384404.1, NM_001384398.1 and 5 more transcripts); c.1201+549C>T (NM_001384406.1); c.1058-2454C>T (NM_001384407.1); and 2 more; short protein forms A494V, A507V, A457V, A482V, A468V.
Identifiers: ClinVar variation 1402607 (VCV001402607.8), dbSNP rs2092986249, ClinGen allele CA404753775.